The following is an entry in ClinVar:

NM_016180.5(SLC45A2):c.1439C>T (p.Thr480Ile)

Gene: SLC45A2 (solute carrier family 45 member 2; minus strand). Cytogenetic location: 5p13.2.
Variant type: single nucleotide variant.
Coding change: c.1439C>T on transcript NM_016180.5 (MANE Select); coding-DNA position 1439, C replaced by T.
Protein change: p.Thr480Ile; replaces threonine 480 with isoleucine.
Molecular consequence: missense variant.
Genome position (GRCh38, 1-based): chr5:33,944,802, G>A on the plus strand (C>T on the coding strand, the complement: SLC45A2 is on the minus strand). VCF-style: chr5-33944802-G-A. GRCh37 (hg19) VCF-style: chr5-33944907-G-A.
Other names: c.1439C>T (NM_016180.3); short protein forms T480I.
Identifiers: ClinVar variation 1417937 (VCV001417937.4), dbSNP rs2111893177, ClinGen allele CA359387324.

ClinVar aggregate classification (germline): Uncertain significance. Review status: criteria provided, multiple submitters, no conflicts (2 of 4 stars). 2 submissions from 2 submitters: Uncertain significance (2). Last evaluated 2025-08-26.

Conditions:
Inborn genetic diseases. Identifiers: MedGen C0950123, MeSH D030342.

Allele frequency attached by ClinVar (database versions not stated): gnomAD exomes below 0.00001.
gnomAD v4.1: 2 of 1,614,224 alleles (0.00012%); highest among the groups gnomAD compares: Middle Eastern, 0.016%; no homozygotes.

Submissions (2):

Ambry Genetics
Classification: Uncertain significance for Inborn genetic diseases. Last evaluated: 2025-08-26. Review status: criteria provided, single submitter. Criteria: Ambry Variant Classification Scheme 2023. Collection method: clinical testing. Allele origin: germline.

Labcorp Genetics (formerly Invitae), Labcorp
Classification: Uncertain significance. Last evaluated: 2022-08-16. Review status: criteria provided, single submitter. Criteria: Invitae Variant Classification Sherloc (09022015). Collection method: clinical testing. Allele origin: germline.
Comment: This sequence change replaces threonine, which is neutral and polar, with isoleucine, which is neutral and non-polar, at codon 480 of the SLC45A2 protein (p.Thr480Ile). This variant is not present in population databases (gnomAD no frequency). This variant has not been reported in the literature in individuals affected with SLC45A2-related conditions. ClinVar contains an entry for this variant (Variation ID: 1417937). Algorithms developed to predict the effect of missense changes on protein structure and function are either unavailable or do not agree on the potential impact of this missense change (SIFT: "Deleterious"; PolyPhen-2: "Probably Damaging"; Align-GVGD: "Class C0"). In summary, the available evidence is currently insufficient to determine the role of this variant in disease. Therefore, it has been classified as a Variant of Uncertain Significance.